The following is an entry in ClinVar:

NM_001365925.2(NLGN1):c.2080A>G (p.Thr694Ala)

Gene: NLGN1 (neuroligin 1; plus strand). Cytogenetic location: 3q26.31.
Variant type: single nucleotide variant.
Coding change: c.2080A>G on transcript NM_001365925.2 (MANE Select); coding-DNA position 2080, A replaced by G.
Protein change: p.Thr694Ala; replaces threonine 694 with alanine.
Molecular consequence: missense variant.
Genome position (GRCh38, 1-based): chr3:174,280,851, A>G. VCF-style: chr3-174280851-A-G. GRCh37 (hg19) VCF-style: chr3-173998641-A-G.
Other names: c.2080A>G, p.Thr694Ala (NM_001365923.2, NM_001365924.2, NM_001365926.2 and 2 more transcripts); c.2020A>G, p.Thr674Ala (NM_001365929.2, NM_001365930.2, NM_001365931.2 and 3 more transcripts); c.1993A>G, p.Thr665Ala (NM_001365934.2, NM_001365935.2, NM_001365936.2); short protein forms T665A, T674A, T694A.
Identifiers: ClinVar variation 1364770 (VCV001364770.8), dbSNP rs1751416879, ClinGen allele CA355545412.
Genomic context (GRCh38, chr3:174,280,851, plus strand): 5'-AAGCAGGATGATCCCAAACAACAACCAAGTCCATTTTCAGTGGATCAAAGGGACTACTCA[A>G]CAGAGCTGAGTGTCACTATTGCAGTTGGAGCATCACTGCTGTTTCTGAACATCTTGGCCT-3'
Protein context (NP_001352854.1, residues 684-704): PFSVDQRDYS[Thr694Ala]ELSVTIAVGA

ClinVar aggregate classification (germline): Uncertain significance (1 of 4 stars; one submission).

Allele frequency attached by ClinVar (database versions not stated): TOPMed 0.00001.

Submission:

Labcorp Genetics (formerly Invitae), Labcorp
Classification: Uncertain significance. Last evaluated: 2021-09-01. Review status: criteria provided, single submitter. Criteria: Invitae Variant Classification Sherloc (09022015). Collection method: clinical testing. Allele origin: germline.
Comment: This sequence change replaces threonine with alanine at codon 674 of the NLGN1 protein (p.Thr674Ala). The threonine residue is moderately conserved and there is a small physicochemical difference between threonine and alanine. This variant is not present in population databases (ExAC no frequency). This variant has not been reported in the literature in individuals affected with NLGN1-related conditions. Algorithms developed to predict the effect of missense changes on protein structure and function are either unavailable or do not agree on the potential impact of this missense change (SIFT: "Tolerated"; PolyPhen-2: "Probably Damaging"; Align-GVGD: "Class C0"). In summary, the available evidence is currently insufficient to determine the role of this variant in disease. Therefore, it has been classified as a Variant of Uncertain Significance.